The following is an entry in ClinVar:

NM_018191.4(RCBTB1):c.43C>G (p.Pro15Ala)

Gene: RCBTB1 (RCC1 and BTB domain containing protein 1; minus strand). Cytogenetic location: 13q14.2.
Variant type: single nucleotide variant.
Coding change: c.43C>G on transcript NM_018191.4 (MANE Select); coding-DNA position 43, C replaced by G.
Protein change: p.Pro15Ala; replaces proline 15 with alanine.
Molecular consequence: missense variant. On other transcripts: 5 prime UTR variant (1), non-coding transcript variant (2).
Genome position (GRCh38, 1-based): chr13:49,567,237, G>C on the plus strand (C>G on the coding strand, the complement: RCBTB1 is on the minus strand). VCF-style: chr13-49567237-G-C. GRCh37 (hg19) VCF-style: chr13-50141373-G-C.
Other names: c.43C>G, p.Pro15Ala (NM_001352500.2, NM_001352501.2, NM_001352502.2 and 3 more transcripts); c.-567C>G (NM_001352506.2); short protein forms P15A.
Identifiers: ClinVar variation 2129464 (VCV002129464.4), dbSNP rs1212807513, ClinGen allele CA388196075.
Genomic context (GRCh38, chr13:49,567,237, plus strand): 5'-GTGCTTCACTGGCTGAGGTGCCGAAGACACACGCCTTCCGAATAGACGCGATCTCTTGAG[G>C]GGAGAGTAGAGTGAAGATGGGCCACTTTCCGACATCCACCATGACTCTGGCTTCAAGCAA-3'
Protein context (NP_060661.3, residues 5-25): GKWPIFTLLS[Pro15Ala]QEIASIRKAC

ClinVar aggregate classification (germline): Uncertain significance (1 of 4 stars; one submission).

Submission:

Labcorp Genetics (formerly Invitae), Labcorp
Classification: Uncertain significance. Last evaluated: 2022-04-22. Review status: criteria provided, single submitter. Criteria: Invitae Variant Classification Sherloc (09022015). Collection method: clinical testing. Allele origin: germline.
Comment: In summary, the available evidence is currently insufficient to determine the role of this variant in disease. Therefore, it has been classified as a Variant of Uncertain Significance. Algorithms developed to predict the effect of missense changes on protein structure and function are either unavailable or do not agree on the potential impact of this missense change (SIFT: "Deleterious"; PolyPhen-2: "Benign"; Align-GVGD: "Class C0"). This variant has not been reported in the literature in individuals affected with RCBTB1-related conditions. This variant is not present in population databases (gnomAD no frequency). This sequence change replaces proline, which is neutral and non-polar, with alanine, which is neutral and non-polar, at codon 15 of the RCBTB1 protein (p.Pro15Ala).